The following is an entry in ClinVar:

ClinVar aggregate classification (germline): Benign/Likely benign. Review status: criteria provided, multiple submitters, no conflicts (2 of 4 stars). 2 submissions from 2 submitters: Benign (1); Likely benign (1). Last evaluated 2025-10-09.

Allele frequency attached by ClinVar (database versions not stated): ExAC 0.00005; gnomAD 0.00005; TOPMed 0.00005; gnomAD exomes 0.00007; 1000 Genomes Project 30x 0.00016; 1000 Genomes Project 0.00020.
gnomAD v4.1: 78 of 1,614,164 alleles (0.0048%); highest among the groups gnomAD compares: Non-Finnish European, 0.0019%; no homozygotes.

Submissions (2):

Labcorp Genetics (formerly Invitae), Labcorp
Classification: Likely benign. Last evaluated: 2025-10-09. Review status: criteria provided, single submitter. Criteria: Invitae Variant Classification Sherloc (09022015). Collection method: clinical testing. Allele origin: germline.

CeGaT Center for Human Genetics Tuebingen
Classification: Benign. Last evaluated: 2024-07-01. Review status: criteria provided, single submitter. Criteria: CeGaT Center For Human Genetics Tuebingen Variant Classification Criteria Version 2. Collection method: clinical testing. Allele origin: germline. Affected: yes. Observed: 1 variant allele.
Comment: KMT2C: BS1, BS2

NM_170606.3(KMT2C):c.5579C>G (p.Ser1860Cys)

Gene: KMT2C (lysine methyltransferase 2C; minus strand). Cytogenetic location: 7q36.1.
Variant type: single nucleotide variant.
Coding change: c.5579C>G on transcript NM_170606.3 (MANE Select); coding-DNA position 5579, C replaced by G.
Protein change: p.Ser1860Cys; replaces serine 1860 with cysteine.
Molecular consequence: missense variant.
Genome position (GRCh38, 1-based): chr7:152,182,281, G>C on the plus strand (C>G on the coding strand, the complement: KMT2C is on the minus strand). VCF-style: chr7-152182281-G-C. GRCh37 (hg19) VCF-style: chr7-151879366-G-C.
Other names: short protein forms S1860C.
Identifiers: ClinVar variation 1667835 (VCV001667835.25), dbSNP rs200537294, ClinGen allele CA4580228.